The following is an entry in ClinVar:

ClinVar aggregate classification (germline): Conflicting classifications of pathogenicity. Review status: criteria provided, conflicting classifications (1 of 4 stars). 4 submissions from 4 submitters: Uncertain significance (2); Likely benign (2). Last evaluated 2026-04-07.

Conditions:
SACS-related disorder. Also called: SACS-related condition.
Inborn genetic diseases. Identifiers: MedGen C0950123, MeSH D030342.
Spastic paraplegia. Identifiers: MedGen C0037772, HP:0001258.

Allele frequency attached by ClinVar (database versions not stated): gnomAD exomes 0.00003 and 0.00005; gnomAD 0.00004 and 0.00005; ExAC 0.00007; TOPMed 0.00007; 1000 Genomes Project 30x 0.00031; 1000 Genomes Project 0.00040.

Submissions (4):

PreventionGenetics, part of Exact Sciences
Classification: Uncertain significance for SACS-related condition. Last evaluated: 2026-04-07. Review status: criteria provided, single submitter. Criteria: ACMG Guidelines, 2015. Collection method: clinical testing. Allele origin: germline.
Comment: The SACS c.6095C>T variant is predicted to result in the amino acid substitution p.Ser2032Leu. To our knowledge, this variant has not been reported in the literature. This variant is reported in 0.016% of alleles in individuals of South Asian descent in gnomAD, including 1 homozygote. At this time, the clinical significance of this variant is uncertain due to the absence of conclusive functional and genetic evidence.

Labcorp Genetics (formerly Invitae), Labcorp
Classification: Likely benign for Spastic paraplegia. Last evaluated: 2024-11-11. Review status: criteria provided, single submitter. Criteria: Invitae Variant Classification Sherloc (09022015). Collection method: clinical testing. Allele origin: germline.

Ambry Genetics
Classification: Uncertain significance for Inborn genetic diseases. Last evaluated: 2021-10-26. Review status: criteria provided, single submitter. Criteria: Ambry Variant Classification Scheme 2023. Collection method: clinical testing. Allele origin: germline.

Breakthrough Genomics
Classification: Likely benign. Review status: criteria provided, single submitter. Criteria: ACMG Guidelines, 2015. Collection method: not provided. Allele origin: germline. Inheritance: Autosomal recessive inheritance. Affected: yes.

NM_014363.6(SACS):c.6095C>T (p.Ser2032Leu)

Gene: SACS (sacsin molecular chaperone; minus strand). Cytogenetic location: 13q12.12.
Variant type: single nucleotide variant.
Coding change: c.6095C>T on transcript NM_014363.6 (MANE Select); coding-DNA position 6095, C replaced by T.
Protein change: p.Ser2032Leu; replaces serine 2032 with leucine.
Molecular consequence: missense variant.
Genome position (GRCh38, 1-based): chr13:23,337,781, G>A on the plus strand (C>T on the coding strand, the complement: SACS is on the minus strand). VCF-style: chr13-23337781-G-A. GRCh37 (hg19) VCF-style: chr13-23911920-G-A.
Other names: c.5654C>T, p.Ser1885Leu (NM_001278055.2); c.6095C>T (NM_014363.5, NM_014363.4); short protein forms S1885L, S2032L.
Identifiers: ClinVar variation 1158034 (VCV001158034.12), dbSNP rs551141655, ClinGen allele CA6911137.